The following is an entry in ClinVar:

ClinVar aggregate classification (germline): Uncertain significance. Review status: criteria provided, multiple submitters, no conflicts (2 of 4 stars). 2 submissions from 2 submitters: Uncertain significance (2). Last evaluated 2025-11-02.

Conditions:
Hereditary cancer-predisposing syndrome. Also called: Neoplastic Syndromes, Hereditary; Tumor predisposition; Hereditary neoplastic syndrome; Hereditary Cancer Syndrome. Identifiers: Orphanet 140162, MedGen C0027672, MeSH D009386, MONDO:0015356.
Renal cell carcinoma. Identifiers: Orphanet 217071, MedGen C0007134, MeSH D002292, MONDO:0005086, HP:0005584.

Submissions (2):

Labcorp Genetics (formerly Invitae), Labcorp
Classification: Uncertain significance for Renal cell carcinoma. Last evaluated: 2025-11-02. Review status: criteria provided, single submitter. Criteria: Invitae Variant Classification Sherloc (09022015). Collection method: clinical testing. Allele origin: germline.
Comment: This sequence change replaces lysine, which is basic and polar, with asparagine, which is neutral and polar, at codon 975 of the MET protein (p.Lys975Asn). This variant is not present in population databases (gnomAD no frequency). This variant has not been reported in the literature in individuals affected with MET-related conditions. ClinVar contains an entry for this variant (Variation ID: 2453413). Invitae Evidence Modeling of protein sequence and biophysical properties (such as structural, functional, and spatial information, amino acid conservation, physicochemical variation, residue mobility, and thermodynamic stability) indicates that this missense variant is expected to disrupt MET protein function with a positive predictive value of 80%. In summary, the available evidence is currently insufficient to determine the role of this variant in disease. Therefore, it has been classified as a Variant of Uncertain Significance.

Ambry Genetics
Classification: Uncertain significance for Hereditary cancer-predisposing syndrome. Last evaluated: 2025-03-03. Review status: criteria provided, single submitter. Criteria: Ambry Variant Classification Scheme 2023. Collection method: clinical testing. Allele origin: germline.
Comment: The p.K975N variant (also known as c.2925G>C), located in coding exon 12 of the MET gene, results from a G to C substitution at nucleotide position 2925. The lysine at codon 975 is replaced by asparagine, an amino acid with similar properties. This amino acid position is not well conserved in available vertebrate species. In addition, this alteration is predicted to be tolerated by in silico analysis. Based on the available evidence, the clinical significance of this variant remains unclear.

NM_000245.4(MET):c.2871G>C (p.Lys957Asn)

Gene: MET (MET proto-oncogene, receptor tyrosine kinase; plus strand). Cytogenetic location: 7q31.2.
Variant type: single nucleotide variant.
Coding change: c.2871G>C on transcript NM_000245.4 (MANE Select); coding-DNA position 2871, G replaced by C.
Protein change: p.Lys957Asn; replaces lysine 957 with asparagine.
Molecular consequence: missense variant.
Genome position (GRCh38, 1-based): chr7:116,771,638, G>C. VCF-style: chr7-116771638-G-C. GRCh37 (hg19) VCF-style: chr7-116411692-G-C.
Other names: c.2925G>C, p.Lys975Asn (NM_001127500.3); c.1581G>C, p.Lys527Asn (NM_001324402.2); short protein forms K957N, K527N, K975N.
Identifiers: ClinVar variation 2453413 (VCV002453413.5), dbSNP rs2485776030, ClinGen allele CA368986751.